The following is an entry in ClinVar:

NM_001376.5(DYNC1H1):c.5343G>T (p.Val1781=)

Gene: DYNC1H1 (dynein cytoplasmic 1 heavy chain 1; plus strand). Cytogenetic location: 14q32.31.
Variant type: single nucleotide variant.
Coding change: c.5343G>T on transcript NM_001376.5 (MANE Select); coding-DNA position 5343, G replaced by T.
Protein change: p.Val1781=; no amino-acid change (valine 1781 retained).
Molecular consequence: synonymous variant.
Genome position (GRCh38, 1-based): chr14:102,005,146, G>T. VCF-style: chr14-102005146-G-T. GRCh37 (hg19) VCF-style: chr14-102471483-G-T.
Identifiers: ClinVar variation 3032139 (VCV003032139.2), dbSNP rs1595611458, ClinGen allele CA488184379.

ClinVar aggregate classification (germline): Likely benign (0 of 4 stars; one submission).

Conditions:
DYNC1H1-related disorder. Also called: DYNC1H1-related disorders; DYNC1H1-related condition. Identifiers: MedGen CN381529.

gnomAD v4.1: 4 of 1,614,192 alleles (0.00025%); highest among the groups gnomAD compares: Non-Finnish European, 0.00034%; no homozygotes.

Submission:

PreventionGenetics, part of Exact Sciences
Classification: Likely benign for DYNC1H1-related condition. Last evaluated: 2020-08-25. Review status: no assertion criteria provided. Collection method: clinical testing. Allele origin: germline.
Comment: This variant is classified as likely benign based on ACMG/AMP sequence variant interpretation guidelines (Richards et al. 2015 PMID: 25741868, with internal and published modifications).